The following is an entry in ClinVar:

ClinVar aggregate classification (germline): Uncertain significance (1 of 4 stars; one submission).

Submission:

Labcorp Genetics (formerly Invitae), Labcorp
Classification: Uncertain significance. Last evaluated: 2024-08-31. Review status: criteria provided, single submitter. Criteria: Invitae Variant Classification Sherloc (09022015). Collection method: clinical testing. Allele origin: germline.
Comment: This sequence change creates a premature translational stop signal (p.Gln705*) in the FUK gene. It is expected to result in an absent or disrupted protein product. However, the current clinical and genetic evidence is not sufficient to establish whether loss-of-function variants in FUK cause disease. This variant is not present in population databases (gnomAD no frequency). This variant has not been reported in the literature in individuals affected with FUK-related conditions. Algorithms developed to predict the effect of sequence changes on RNA splicing suggest that this variant may disrupt the consensus splice site. In summary, the available evidence is currently insufficient to determine the role of this variant in disease. Therefore, it has been classified as a Variant of Uncertain Significance.

NM_145059.3(FCSK):c.2113C>T (p.Gln705Ter)

Gene: FCSK (fucose kinase; plus strand). Cytogenetic location: 16q22.1.
Variant type: single nucleotide variant.
Coding change: c.2113C>T on transcript NM_145059.3 (MANE Select); coding-DNA position 2113, C replaced by T.
Protein change: p.Gln705Ter; replaces glutamine 705 with a stop codon.
Molecular consequence: nonsense.
Genome position (GRCh38, 1-based): chr16:70,474,652, C>T. VCF-style: chr16-70474652-C-T. GRCh37 (hg19) VCF-style: chr16-70508555-C-T.
Other names: short protein forms Q705*.
Identifiers: ClinVar variation 3662398 (VCV003662398.2).